The following is an entry in ClinVar:

ClinVar aggregate classification (germline): Pathogenic/Likely pathogenic. Review status: criteria provided, multiple submitters, no conflicts (2 of 4 stars). 3 submissions from 3 submitters: Pathogenic (2); Likely pathogenic (1). Last evaluated 2024-02-22.

Conditions:
Cockayne syndrome type 1. Also called: Cockayne syndrome type I; Cockayne syndrome classical; Cockayne syndrome classic form. Identifiers: Orphanet 191, Orphanet 90321, MedGen C0751039, MONDO:0019569, OMIM 216400.

Allele frequency attached by ClinVar (database versions not stated): gnomAD exomes below 0.00001; TOPMed below 0.00001; gnomAD 0.00003.

Submissions (3):

Labcorp Genetics (formerly Invitae), Labcorp
Classification: Pathogenic. Last evaluated: 2024-02-22. Review status: criteria provided, single submitter. Criteria: Invitae Variant Classification Sherloc (09022015). Collection method: clinical testing. Allele origin: germline.
Comment: This sequence change creates a premature translational stop signal (p.Arg217Lysfs*7) in the ERCC8 gene. It is expected to result in an absent or disrupted protein product. Loss-of-function variants in ERCC8 are known to be pathogenic (PMID: 29572252). This variant is not present in population databases (gnomAD no frequency). This variant has not been reported in the literature in individuals affected with ERCC8-related conditions. ClinVar contains an entry for this variant (Variation ID: 640063). For these reasons, this variant has been classified as Pathogenic.

Clinical Genetics Laboratory, Skane University Hospital Lund
Classification: Likely pathogenic. Last evaluated: 2022-09-21. Review status: criteria provided, single submitter. Criteria: ACMG Guidelines, 2015. Collection method: clinical testing. Allele origin: germline. Affected: yes.

3billion
Classification: Pathogenic for Cockayne syndrome type 1. Last evaluated: 2022-01-03. Review status: criteria provided, single submitter. Criteria: ACMG Guidelines, 2015. Collection method: clinical testing. Allele origin: germline. Affected: yes. Observed: 1 homozygote.
Comment: Frameshift: predicted to result in a loss or disruption of normal protein function through nonsense-mediated decay (NMD) or protein truncation. Multiple pathogenic variants are reported downstream of the variant (PVS1_VS). The variant has been reported to be associated with ERCC8 related disorder (ClinVar ID: VCV000640063).It is observed at an extremely low frequency in the gnomAD v2.1.1 dataset (total allele frequency: 0.000032, PM2_M). Therefore, this variant is classified as pathogenic according to the recommendation of ACMG/AMP guideline.

Literature cited by the submitters: PubMed 29572252 (cited by Labcorp Genetics (formerly Invitae), Labcorp).

NM_000082.4(ERCC8):c.650del (p.Arg217fs)

Gene: ERCC8 (ERCC excision repair 8, CSA ubiquitin ligase complex subunit; minus strand). Cytogenetic location: 5q12.1.
Variant type: Deletion.
Coding change: c.650del on transcript NM_000082.4 (MANE Select); coding-DNA position 650, one base deleted (G; older notation c.650delG).
Protein change: p.Arg217fs; shifts the reading frame from arginine 217.
Molecular consequence: frameshift variant.
Genome position (GRCh38, 1-based): chr5:60,899,695, C deleted on the plus strand (G on the coding strand, the reverse complement: ERCC8 is on the minus strand). VCF-style (leftmost placement, unchanged base first): chr5-60899694-TC-T. GRCh37 (hg19) VCF-style: chr5-60195521-TC-T.
Other names: c.650delG (NM_000082.3); c.476del, p.Arg159fs (NM_001007233.3); c.191del, p.Arg64fs (NM_001290285.2); short protein forms R159fs, R64fs, R217fs.
Identifiers: ClinVar variation 640063 (VCV000640063.10), dbSNP rs1561502158, ClinGen allele CA915137352.